The following is an entry in ClinVar:

ClinVar aggregate classification (germline): Uncertain significance (1 of 4 stars; one submission).

Conditions:
Hereditary cancer-predisposing syndrome. Also called: Tumor predisposition; Hereditary neoplastic syndrome; Hereditary Cancer Syndrome; Neoplastic Syndromes, Hereditary. Identifiers: Orphanet 140162, MedGen C0027672, MeSH D009386, MONDO:0015356.

Submission:

Ambry Genetics
Classification: Uncertain significance for Hereditary cancer-predisposing syndrome. Last evaluated: 2024-02-24. Review status: criteria provided, single submitter. Criteria: Ambry Variant Classification Scheme 2023. Collection method: clinical testing. Allele origin: germline.
Comment: The p.F399C variant (also known as c.1196T>G), located in coding exon 10 of the MRE11A gene, results from a T to G substitution at nucleotide position 1196. The phenylalanine at codon 399 is replaced by cysteine, an amino acid with highly dissimilar properties. This amino acid position is conserved. In addition, the in silico prediction for this alteration is inconclusive. Based on the available evidence, the clinical significance of this alteration remains unclear.

NM_005591.4(MRE11):c.1196T>G (p.Phe399Cys)

Gene: MRE11 (MRE11 double strand break repair nuclease; minus strand). Cytogenetic location: 11q21.
Variant type: single nucleotide variant.
Coding change: c.1196T>G on transcript NM_005591.4 (MANE Select); coding-DNA position 1196, T replaced by G.
Protein change: p.Phe399Cys; replaces phenylalanine 399 with cysteine.
Molecular consequence: missense variant.
Genome position (GRCh38, 1-based): chr11:94,464,142, A>C on the plus strand (T>G on the coding strand, the complement: MRE11 is on the minus strand). VCF-style: chr11-94464142-A-C. GRCh37 (hg19) VCF-style: chr11-94197308-A-C.
Other names: c.1196T>G, p.Phe399Cys (NM_001330347.2, NM_005590.4); short protein forms F399C.
Identifiers: ClinVar variation 3224818 (VCV003224818.1), dbSNP rs2496426104, ClinGen allele CA382372739.